The following is an entry in ClinVar:

NM_004453.4(ETFDH):c.1691-2_1691-1delinsGA

Gene: ETFDH (electron transfer flavoprotein dehydrogenase; plus strand). Cytogenetic location: 4q32.1.
Variant type: Indel.
Coding change: c.1691-2_1691-1delinsGA on transcript NM_004453.4 (MANE Select); the canonical splice acceptor site of the intron before coding-DNA position 1691, AG replaced by GA.
Molecular consequence: splice acceptor variant.
Genome position (GRCh38, 1-based): chr4:158,708,362-158,708,363, AG replaced by GA. VCF-style: chr4-158708362-AG-GA. GRCh37 (hg19) VCF-style: chr4-159629514-AG-GA.
Other names: c.1550-2_1550-1delinsGA (NM_001281737.2); c.1508-2_1508-1delinsGA (NM_001281738.1).
Identifiers: ClinVar variation 2018564 (VCV002018564.4), dbSNP rs2476741089, ClinGen allele CA2580071649.
Genomic context (GRCh38, chr4:158,708,362, plus strand): 5'-CTTTTGAATTTAAAAATTTTTTAAAGTTAGGCACTTCAATATTATTTATTTTTACTTTTC[AG>GA]GAGTTTATGAATTTGTACCTGTGGAACAAGGTGATGGATTTCGGTTACAGATAAATGCTC-3'

ClinVar aggregate classification (germline): Likely pathogenic (1 of 4 stars; one submission).

Conditions:
Multiple acyl-CoA dehydrogenase deficiency (MADD). Also called: ETHYLMALONIC-ADIPICACIDURIA; GA II; Glutaric acidemia type II; GA 2; Glutaric Acidemia type 2; Glutaric aciduria, type 2. Identifiers: Orphanet 26791, MedGen C0268596, MONDO:0009282, OMIM 231680.

Submission:

Labcorp Genetics (formerly Invitae), Labcorp
Classification: Likely pathogenic for Multiple acyl-CoA dehydrogenase deficiency. Last evaluated: 2023-02-09. Review status: criteria provided, single submitter. Criteria: Invitae Variant Classification Sherloc (09022015). Collection method: clinical testing. Allele origin: germline.
Comment: This sequence change affects a splice site in intron 12 of the ETFDH gene. It is expected to disrupt RNA splicing. Variants that disrupt the donor or acceptor splice site typically lead to a loss of protein function (PMID: 16199547), and loss-of-function variants in ETFDH are known to be pathogenic (PMID: 16510302, 23785301). Information on the frequency of this variant in the gnomAD database is not available, as this variant may be reported differently in the database. Disruption of this splice site has been observed in individual(s) with features of glutaric acidemia type 2 (Invitae). In at least one individual the data is consistent with being in trans (on the opposite chromosome) from a pathogenic variant. For these reasons, this variant has been classified as Pathogenic.

Literature cited by the submitters: PubMed 16199547; PubMed 16510302; PubMed 23785301.